The following is an entry in ClinVar:

NC_000008.10:g.(?_6357353)_(6357470_?)del

Genes: ANGPT2 (angiopoietin 2; minus strand), MCPH1 (microcephalin 1; plus strand). Cytogenetic location: 8p23.1.
Variant type: Deletion.
Identifiers: ClinVar variation 2426845 (VCV002426845.2).

ClinVar aggregate classification (germline): Uncertain significance (1 of 4 stars; one submission).

Submission:

Labcorp Genetics (formerly Invitae), Labcorp
Classification: Uncertain significance. Last evaluated: 2022-10-03. Review status: criteria provided, single submitter. Criteria: Invitae Variant Classification Sherloc (09022015). Collection method: clinical testing. Allele origin: germline.
Comment: This variant is a gross deletion of the genomic region encompassing exon(s) 12 of the MCPH1 gene. This variant would be expected to be in-frame, preserving the integrity of the reading frame. This variant has not been reported in the literature in individuals affected with MCPH1-related conditions. Experimental studies and prediction algorithms are not available or were not evaluated, and the functional significance of this variant is currently unknown. In summary, the available evidence is currently insufficient to determine the role of this variant in disease. Therefore, it has been classified as a Variant of Uncertain Significance.